The following is an entry in ClinVar:

ClinVar aggregate classification (germline): Uncertain significance. Review status: criteria provided, multiple submitters, no conflicts (2 of 4 stars). 2 submissions from 2 submitters: Uncertain significance (2). Last evaluated 2023-07-27.

Conditions:
Dyskeratosis congenita. Identifiers: Orphanet 1775, MedGen C0265965, MONDO:0015780.
Idiopathic Pulmonary Fibrosis. Also called: Idiopathic fibrosing alveolitis, chronic form; idiopathic fibrosing alveolitis. Identifiers: Orphanet 2032, MedGen C1800706, MeSH D054990, MONDO:0800504.
Dyskeratosis congenita, autosomal dominant 2. Identifiers: MedGen C3151443, MONDO:0013521, OMIM 613989.

Submissions (2):

Ambry Genetics
Classification: Uncertain significance for Dyskeratosis congenita. Last evaluated: 2023-07-27. Review status: criteria provided, single submitter. Criteria: Ambry Variant Classification Scheme 2023. Collection method: clinical testing. Allele origin: germline.
Comment: The p.W519C variant (also known as c.1557G>C), located in coding exon 2 of the TERT gene, results from a G to C substitution at nucleotide position 1557. The tryptophan at codon 519 is replaced by cysteine, an amino acid with highly dissimilar properties. This amino acid position is conserved. In addition, this alteration is predicted to be deleterious by in silico analysis. Since supporting evidence is limited at this time, the clinical significance of this alteration remains unclear.

Labcorp Genetics (formerly Invitae), Labcorp
Classification: Uncertain significance for Dyskeratosis congenita, autosomal dominant 2; Idiopathic Pulmonary Fibrosis. Last evaluated: 2022-11-20. Review status: criteria provided, single submitter. Criteria: Invitae Variant Classification Sherloc (09022015). Collection method: clinical testing. Allele origin: germline.
Comment: This variant is not present in population databases (gnomAD no frequency). In summary, the available evidence is currently insufficient to determine the role of this variant in disease. Therefore, it has been classified as a Variant of Uncertain Significance. Advanced modeling of protein sequence and biophysical properties (such as structural, functional, and spatial information, amino acid conservation, physicochemical variation, residue mobility, and thermodynamic stability) performed at Invitae indicates that this missense variant is expected to disrupt TERT protein function. This variant has not been reported in the literature in individuals affected with TERT-related conditions. This sequence change replaces tryptophan, which is neutral and slightly polar, with cysteine, which is neutral and slightly polar, at codon 519 of the TERT protein (p.Trp519Cys).

NM_198253.3(TERT):c.1557G>C (p.Trp519Cys)

Gene: TERT (telomerase reverse transcriptase; minus strand). Cytogenetic location: 5p15.33.
Variant type: single nucleotide variant.
Coding change: c.1557G>C on transcript NM_198253.3 (MANE Select); coding-DNA position 1557, G replaced by C.
Protein change: p.Trp519Cys; replaces tryptophan 519 with cysteine.
Molecular consequence: missense variant. On other transcripts: non-coding transcript variant (2).
Genome position (GRCh38, 1-based): chr5:1,293,329, C>G on the plus strand (G>C on the coding strand, the complement: TERT is on the minus strand). VCF-style: chr5-1293329-C-G. GRCh37 (hg19) VCF-style: chr5-1293444-C-G.
Other names: c.1557G>C, p.Trp519Cys (NM_001193376.3, NM_003219.1); short protein forms W519C.
Identifiers: ClinVar variation 2941694 (VCV002941694.4), dbSNP rs2478407709, ClinGen allele CA359085043.